The following is an entry in ClinVar:

NM_001510.4(GRID2):c.2833T>C (p.Ser945Pro)

Gene: GRID2 (glutamate ionotropic receptor delta type subunit 2; plus strand). Cytogenetic location: 4q22.2.
Variant type: single nucleotide variant.
Coding change: c.2833T>C on transcript NM_001510.4 (MANE Select); coding-DNA position 2833, T replaced by C.
Protein change: p.Ser945Pro; replaces serine 945 with proline.
Molecular consequence: missense variant. On other transcripts: intron variant (1).
Genome position (GRCh38, 1-based): chr4:93,772,307, T>C. VCF-style: chr4-93772307-T-C. GRCh37 (hg19) VCF-style: chr4-94693458-T-C.
Other names: c.2548T>C, p.Ser850Pro (NM_001286838.1); c.2601+2857T>C (NM_001440459.1); short protein forms S945P, S850P.
Identifiers: ClinVar variation 4713370 (VCV004713370.1).

ClinVar aggregate classification (germline): Uncertain significance (1 of 4 stars; one submission).

Submission:

Labcorp Genetics (formerly Invitae), Labcorp
Classification: Uncertain significance. Last evaluated: 2025-07-22. Review status: criteria provided, single submitter. Criteria: Invitae Variant Classification Sherloc (09022015). Collection method: clinical testing. Allele origin: germline.
Comment: This sequence change replaces serine, which is neutral and polar, with proline, which is neutral and non-polar, at codon 945 of the GRID2 protein (p.Ser945Pro). This variant is not present in population databases (gnomAD no frequency). This variant has not been reported in the literature in individuals affected with GRID2-related conditions. An algorithm developed to predict the effect of missense changes on protein structure and function (PolyPhen-2) suggests that this variant is likely to be tolerated. In summary, the available evidence is currently insufficient to determine the role of this variant in disease. Therefore, it has been classified as a Variant of Uncertain Significance.